The following is an entry in ClinVar:

NM_006214.4(PHYH):c.846C>A (p.Phe282Leu)

Gene: PHYH (phytanoyl-CoA 2-hydroxylase; minus strand). Cytogenetic location: 10p13.
Variant type: single nucleotide variant.
Coding change: c.846C>A on transcript NM_006214.4 (MANE Select); coding-DNA position 846, C replaced by A.
Protein change: p.Phe282Leu; replaces phenylalanine 282 with leucine.
Molecular consequence: missense variant.
Genome position (GRCh38, 1-based): chr10:13,281,093, G>T on the plus strand (C>A on the coding strand, the complement: PHYH is on the minus strand). VCF-style: chr10-13281093-G-T. GRCh37 (hg19) VCF-style: chr10-13323093-G-T.
Other names: p.Phe282Leu; c.546C>A, p.Phe182Leu (NM_001037537.2, NM_001323080.2); c.852C>A, p.Phe284Leu (NM_001323082.2); c.582C>A, p.Phe194Leu (NM_001323083.2); c.552C>A, p.Phe184Leu (NM_001323084.2); short protein forms F182L, F184L, F194L, F282L, F284L.
Identifiers: ClinVar variation 1694024 (VCV001694024.9), dbSNP rs373839944, ClinGen allele CA5412221.
Genomic context (GRCh38, chr10:13,281,093, plus strand): 5'-CTTCTCGATGTTTTCTTGACTGGTGCCCTTCACGTCAATGTAGTGGCAATCGGCACTGGC[G>T]AAATGGCAGGAAATTGCCTGTGCAAAGTGAACAAATTGATATTGGAGAAAAACATCCCAT-3'
Protein context (NP_006205.1, residues 272-292): QGFRKAISCH[Phe282Leu]ASADCHYIDV

ClinVar aggregate classification (germline): Uncertain significance. Review status: criteria provided, multiple submitters, no conflicts (2 of 4 stars). 4 submissions from 4 submitters: Uncertain significance (4). Last evaluated 2025-08-14.

Conditions:
Inborn genetic diseases. Identifiers: MedGen C0950123, MeSH D030342.

Allele frequency attached by ClinVar (database versions not stated): ESP Exome Variant Server 0.00008.
gnomAD v4.1: 20 of 1,614,016 alleles (0.0012%); highest among the groups gnomAD compares: African/African-American, 0.025%; no homozygotes.

Submissions (4):

Ambry Genetics
Classification: Uncertain significance for Inborn genetic diseases. Last evaluated: 2025-08-14. Review status: criteria provided, single submitter. Criteria: Ambry Variant Classification Scheme 2023. Collection method: clinical testing. Allele origin: germline.

Blueprint Genetics
Classification: Uncertain significance. Last evaluated: 2022-10-26. Review status: criteria provided, single submitter. Criteria: ACMG Guidelines, 2015. Collection method: clinical testing. Allele origin: germline.

Labcorp Genetics (formerly Invitae), Labcorp
Classification: Uncertain significance. Last evaluated: 2022-05-05. Review status: criteria provided, single submitter. Criteria: Invitae Variant Classification Sherloc (09022015). Collection method: clinical testing. Allele origin: germline.
Comment: This sequence change replaces phenylalanine, which is neutral and non-polar, with leucine, which is neutral and non-polar, at codon 282 of the PHYH protein (p.Phe282Leu). This variant is present in population databases (rs373839944, gnomAD 0.05%). This variant has not been reported in the literature in individuals affected with PHYH-related conditions. Algorithms developed to predict the effect of missense changes on protein structure and function are either unavailable or do not agree on the potential impact of this missense change (SIFT: "Deleterious"; PolyPhen-2: "Benign"; Align-GVGD: "Class C0"). In summary, the available evidence is currently insufficient to determine the role of this variant in disease. Therefore, it has been classified as a Variant of Uncertain Significance.

Mayo Clinic Laboratories, Mayo Clinic
Classification: Uncertain significance. Last evaluated: 2022-02-04. Review status: criteria provided, single submitter. Criteria: ACMG Guidelines, 2015. Collection method: clinical testing. Allele origin: germline. Observed: 2 variant alleles.